The following is an entry in ClinVar:

ClinVar aggregate classification (germline): Uncertain significance (1 of 4 stars; one submission).

Submission:

Labcorp Genetics (formerly Invitae), Labcorp
Classification: Uncertain significance. Last evaluated: 2020-11-25. Review status: criteria provided, single submitter. Criteria: Invitae Variant Classification Sherloc (09022015). Collection method: clinical testing. Allele origin: germline.
Comment: In summary, the available evidence is currently insufficient to determine the role of this variant in disease. Therefore, it has been classified as a Variant of Uncertain Significance. Algorithms developed to predict the effect of missense changes on protein structure and function are either unavailable or do not agree on the potential impact of this missense change (SIFT: "Deleterious"; PolyPhen-2: "Possibly Damaging"; Align-GVGD: "Class C0"). This variant has not been reported in the literature in individuals with USH2A-related conditions. This variant is not present in population databases (ExAC no frequency). This sequence change replaces isoleucine with lysine at codon 4983 of the USH2A protein (p.Ile4983Lys). The isoleucine residue is highly conserved and there is a moderate physicochemical difference between isoleucine and lysine.

NM_206933.4(USH2A):c.14948T>A (p.Ile4983Lys)

Gene: USH2A (usherin; minus strand). Cytogenetic location: 1q41.
Variant type: single nucleotide variant.
Coding change: c.14948T>A on transcript NM_206933.4 (MANE Select); coding-DNA position 14948, T replaced by A.
Protein change: p.Ile4983Lys; replaces isoleucine 4983 with lysine.
Molecular consequence: missense variant.
Genome position (GRCh38, 1-based): chr1:215,640,578, A>T on the plus strand (T>A on the coding strand, the complement: USH2A is on the minus strand). VCF-style: chr1-215640578-A-T. GRCh37 (hg19) VCF-style: chr1-215813920-A-T.
Other names: short protein forms I4983K.
Identifiers: ClinVar variation 1018040 (VCV001018040.8), dbSNP rs765747576, ClinGen allele CA344827632.